The following is an entry in ClinVar:

NM_006947.4(SRP72):c.574C>G (p.Leu192Val)

Gene: SRP72 (signal recognition particle 72; plus strand). Cytogenetic location: 4q12.
Variant type: single nucleotide variant.
Coding change: c.574C>G on transcript NM_006947.4 (MANE Select); coding-DNA position 574, C replaced by G.
Protein change: p.Leu192Val; replaces leucine 192 with valine.
Molecular consequence: missense variant. On other transcripts: non-coding transcript variant (1).
Genome position (GRCh38, 1-based): chr4:56,474,355, C>G. VCF-style: chr4-56474355-C-G. GRCh37 (hg19) VCF-style: chr4-57340521-C-G.
Other names: c.574C>G, p.Leu192Val (NM_001267722.2); short protein forms L192V.
Identifiers: ClinVar variation 906572 (VCV000906572.5), dbSNP rs772592244, ClinGen allele CA2931104.

ClinVar aggregate classification (germline): Uncertain significance. Review status: criteria provided, multiple submitters, no conflicts (2 of 4 stars). 2 submissions from 2 submitters: Uncertain significance (2). Last evaluated 2026-01-05.

Conditions:
Autosomal dominant aplasia and myelodysplasia. Also called: Bone marrow failure syndrome 1. Identifiers: Orphanet 314399, MedGen C3808553, MONDO:0013851, OMIM 614675.

Allele frequency attached by ClinVar (database versions not stated): ExAC 0.00001; gnomAD exomes below 0.00001.
gnomAD v4.1: 8 of 1,614,070 alleles (0.0005%); highest among the groups gnomAD compares: South Asian, 0.0066%; 1 homozygote.

Submissions (2):

Ambry Genetics
Classification: Uncertain significance. Last evaluated: 2026-01-05. Review status: criteria provided, single submitter. Criteria: Ambry Variant Classification Scheme 2023. Collection method: clinical testing. Allele origin: germline.
Comment: The p.L192V variant (also known as c.574C>G), located in coding exon 5 of the SRP72 gene, results from a C to G substitution at nucleotide position 574. The leucine at codon 192 is replaced by valine, an amino acid with highly similar properties. This amino acid position is conserved. In addition, the in silico prediction for this alteration is inconclusive. Based on the available evidence, the clinical significance of this variant remains unclear.

Illumina Laboratory Services, Illumina
Classification: Uncertain significance for Autosomal dominant aplasia and myelodysplasia. Last evaluated: 2018-01-12. Review status: criteria provided, single submitter. Criteria: ICSL Variant Classification Criteria 13 December 2019. Collection method: clinical testing. Allele origin: germline.